The following is an entry in ClinVar:

ClinVar aggregate classification (germline): Conflicting classifications of pathogenicity. Review status: criteria provided, conflicting classifications (1 of 4 stars). 2 submissions from 2 submitters: Uncertain significance (1); Likely benign (1). Last evaluated 2024-02-21.

Conditions:
Mucopolysaccharidosis, MPS-III-A (MPS3A). Also called: HEPARAN SULFATE SULFATASE DEFICIENCY; SANFILIPPO SYNDROME A; SULFAMIDASE DEFICIENCY; MPS III A; Mucopolysaccharidosis, type IIIA; MUCOPOLYSACCHARIDOSIS, TYPE IIIA, ATTENUATED. Identifiers: Orphanet 581, Orphanet 79269, MedGen C0086647, MONDO:0009655, OMIM 252900.
Inborn genetic diseases. Identifiers: MedGen C0950123, MeSH D030342.

Allele frequency attached by ClinVar (database versions not stated): gnomAD exomes 0.00006; TOPMed 0.00005; 1000 Genomes Project 30x 0.00047; ExAC 0.00013; gnomAD 0.00005; 1000 Genomes Project 0.00060.
gnomAD v4.1: 98 of 1,608,736 alleles (0.0061%); highest among the groups gnomAD compares: East Asian, 0.12%; 1 homozygote.

Submissions (2):

Ambry Genetics
Classification: Likely benign for Inborn genetic diseases. Last evaluated: 2024-02-21. Review status: criteria provided, single submitter. Criteria: Ambry Variant Classification Scheme 2023. Collection method: clinical testing. Allele origin: germline.

Labcorp Genetics (formerly Invitae), Labcorp
Classification: Uncertain significance for Mucopolysaccharidosis, MPS-III-A. Last evaluated: 2022-08-30. Review status: criteria provided, single submitter. Criteria: Invitae Variant Classification Sherloc (09022015). Collection method: clinical testing. Allele origin: germline.
Comment: This sequence change replaces aspartic acid, which is acidic and polar, with asparagine, which is neutral and polar, at codon 484 of the SGSH protein (p.Asp484Asn). This variant is present in population databases (rs190505648, gnomAD 0.07%). This variant has not been reported in the literature in individuals affected with SGSH-related conditions. Algorithms developed to predict the effect of missense changes on protein structure and function output the following: SIFT: "Tolerated"; PolyPhen-2: "Benign"; Align-GVGD: "Class C0". The asparagine amino acid residue is found in multiple mammalian species, which suggests that this missense change does not adversely affect protein function. In summary, the available evidence is currently insufficient to determine the role of this variant in disease. Therefore, it has been classified as a Variant of Uncertain Significance.

NM_000199.5(SGSH):c.1450G>A (p.Asp484Asn)

Gene: SGSH (N-sulfoglucosamine sulfohydrolase; minus strand). Cytogenetic location: 17q25.3.
Variant type: single nucleotide variant.
Coding change: c.1450G>A on transcript NM_000199.5 (MANE Select); coding-DNA position 1450, G replaced by A.
Protein change: p.Asp484Asn; replaces aspartic acid 484 with asparagine.
Molecular consequence: missense variant. On other transcripts: 3 prime UTR variant (2), non-coding transcript variant (1).
Genome position (GRCh38, 1-based): chr17:80,210,511, C>T on the plus strand (G>A on the coding strand, the complement: SGSH is on the minus strand). VCF-style: chr17-80210511-C-T. GRCh37 (hg19) VCF-style: chr17-78184310-C-T.
Other names: c.*537G>A (NM_001352921.3); c.*500G>A (NM_001352922.2); c.1450G>A (NM_000199.3); short protein forms D484N.
Identifiers: ClinVar variation 2142885 (VCV002142885.2), dbSNP rs190505648, ClinGen allele CA8817579.